The following is an entry in ClinVar:

ClinVar aggregate classification (germline): Pathogenic (1 of 4 stars; one submission).

Conditions:
DICER1-related tumor predisposition. Also called: DICER1 syndrome; DICER1-related pleuropulmonary blastoma cancer predisposition syndrome. Identifiers: Orphanet 284343, MedGen C3839822, MONDO:0100216.

Submission:

Labcorp Genetics (formerly Invitae), Labcorp
Classification: Pathogenic for DICER1-related tumor predisposition. Last evaluated: 2025-06-12. Review status: criteria provided, single submitter. Criteria: Invitae Variant Classification Sherloc (09022015). Collection method: clinical testing. Allele origin: germline.
Comment: This sequence change creates a premature translational stop signal (p.Ser1496*) in the DICER1 gene. It is expected to result in an absent or disrupted protein product. Loss-of-function variants in DICER1 are known to be pathogenic (PMID: 19556464, 21266384). This variant is not present in population databases (gnomAD no frequency). This variant has not been reported in the literature in individuals affected with DICER1-related conditions. For these reasons, this variant has been classified as Pathogenic.

Literature cited by the submitters: PubMed 19556464; PubMed 21266384.

NM_177438.3(DICER1):c.4487C>G (p.Ser1496Ter)

Gene: DICER1 (dicer 1, ribonuclease III; minus strand). Cytogenetic location: 14q32.13.
Variant type: single nucleotide variant.
Coding change: c.4487C>G on transcript NM_177438.3 (MANE Select); coding-DNA position 4487, C replaced by G.
Protein change: p.Ser1496Ter; replaces serine 1496 with a stop codon.
Molecular consequence: nonsense. On other transcripts: non-coding transcript variant (6).
Genome position (GRCh38, 1-based): chr14:95,096,433, G>C on the plus strand (C>G on the coding strand, the complement: DICER1 is on the minus strand). VCF-style: chr14-95096433-G-C. GRCh37 (hg19) VCF-style: chr14-95562770-G-C.
Other names: c.4487C>G, p.Ser1496Ter (NM_001195573.1, NM_001271282.3, NM_001291628.2 and 12 more transcripts); c.4205C>G, p.Ser1402Ter (NM_001395686.1); c.4082C>G, p.Ser1361Ter (NM_001395687.1, NM_001395688.1, NM_001395689.1 and 2 more transcripts); c.3920C>G, p.Ser1307Ter (NM_001395691.1); c.2804C>G, p.Ser935Ter (NM_001395697.1); short protein forms S1307*, S935*, S1361*, S1496*, S1402*.
Identifiers: ClinVar variation 4720951 (VCV004720951.1).
Genomic context (GRCh38, chr14:95,096,433, plus strand): 5'-TTGCTAGGATCCAGATAGCACATTGCATCCCAAGAGCTGTAGTCAAAATCCTCAAAATCT[G>C]ATGAAAATGGCATACTACCTAAGGAGGATTTTTTGGGCATTTTCCATTCATATGCAGAAT-3'